The following is an entry in ClinVar:

NM_001166108.2(PALLD):c.1965-13000G>A

Gene: PALLD (palladin, cytoskeletal associated protein; plus strand). Cytogenetic location: 4q32.3.
Variant type: single nucleotide variant.
Coding change: c.1965-13000G>A on transcript NM_001166108.2 (MANE Select); 13000 bases into the intron before coding-DNA position 1965, G replaced by A.
Molecular consequence: intron variant. On other transcripts: missense variant (1).
Genome position (GRCh38, 1-based): chr4:168,877,922, G>A. VCF-style: chr4-168877922-G-A. GRCh37 (hg19) VCF-style: chr4-169799073-G-A.
Other names: c.31G>A, p.Ala11Thr (NM_001166110.2); c.1965-13000G>A (NM_016081.4); c.819-13000G>A (NM_001166109.2); c.-157-13000G>A (NM_001367570.1, NM_001367568.1, NM_001367567.1 and 1 more transcripts); short protein forms A11T.
Identifiers: ClinVar variation 4130409 (VCV004130409.1).

ClinVar aggregate classification (germline): Uncertain significance (1 of 4 stars; one submission).

gnomAD v4.1: 1 of 1,487,604 alleles (0.000067%); highest among the groups gnomAD compares: Non-Finnish European, 0.000089%; no homozygotes.

Submission:

Ambry Genetics
Classification: Uncertain significance. Last evaluated: 2025-07-16. Review status: criteria provided, single submitter. Criteria: Ambry Variant Classification Scheme 2023. Collection method: clinical testing. Allele origin: germline.
Comment: The p.A11T variant (also known as c.31G>A), located in coding exon 1 of the PALLD gene, results from a G to A substitution at nucleotide position 31. The alanine at codon 11 is replaced by threonine, an amino acid with similar properties. This amino acid position is conserved. In addition, this alteration is predicted to be tolerated by in silico analysis. Based on the available evidence, the clinical significance of this variant remains unclear.